The following is an entry in ClinVar:

ClinVar aggregate classification (germline): Uncertain significance (1 of 4 stars; one submission).

Submission:

Labcorp Genetics (formerly Invitae), Labcorp
Classification: Uncertain significance. Last evaluated: 2018-06-06. Review status: criteria provided, single submitter. Criteria: Invitae Variant Classification Sherloc (09022015). Collection method: clinical testing. Allele origin: germline.
Comment: In summary, the available evidence is currently insufficient to determine the role of this variant in disease. Therefore, it has been classified as a Variant of Uncertain Significance. Algorithms developed to predict the effect of missense changes on protein structure and function are either unavailable or do not agree on the potential impact of this missense change (SIFT: "Deleterious"; PolyPhen-2: "Probably Damaging"; Align-GVGD: "Class C0"). This variant has not been reported in the literature in individuals with GRM1-related disease. This variant is not present in population databases (ExAC no frequency). This sequence change replaces glycine with arginine at codon 43 of the GRM1 protein (p.Gly43Arg). The glycine residue is moderately conserved and there is a moderate physicochemical difference between glycine and arginine.

NM_001278064.2(GRM1):c.127G>A (p.Gly43Arg)

Gene: GRM1 (glutamate metabotropic receptor 1; plus strand). Cytogenetic location: 6q24.3.
Variant type: single nucleotide variant.
Coding change: c.127G>A on transcript NM_001278064.2 (MANE Select); coding-DNA position 127, G replaced by A.
Protein change: p.Gly43Arg; replaces glycine 43 with arginine.
Molecular consequence: missense variant.
Genome position (GRCh38, 1-based): chr6:146,029,644, G>A. VCF-style: chr6-146029644-G-A. GRCh37 (hg19) VCF-style: chr6-146350780-G-A.
Other names: c.127G>A, p.Gly43Arg (NM_001278065.2, NM_001278066.1, NM_001278067.1); short protein forms G43R.
Identifiers: ClinVar variation 1042086 (VCV001042086.8), dbSNP rs1790639703, ClinGen allele CA365957192.
Genomic context (GRCh38, chr6:146,029,644, plus strand): 5'-CCCGGCAGGAAAGTGTTGCTGGCAGGAGCGTCGTCTCAGCGCTCGGTGGCCAGAATGGAC[G>A]GAGATGTCATCATTGGAGCCCTCTTCTCAGTCCATCACCAGCCTCCGGCCGAGAAAGTGC-3'
Protein context (NP_001264993.1, residues 33-53): SSQRSVARMD[Gly43Arg]DVIIGALFSV